The following is an entry in ClinVar:

ClinVar aggregate classification (germline): Uncertain significance (1 of 4 stars; one submission).

Submission:

Labcorp Genetics (formerly Invitae), Labcorp
Classification: Uncertain significance. Last evaluated: 2021-06-01. Review status: criteria provided, single submitter. Criteria: Invitae Variant Classification Sherloc (09022015). Collection method: clinical testing. Allele origin: germline.
Comment: This sequence change falls in intron 27 of the LAMC3 gene. It does not directly change the encoded amino acid sequence of the LAMC3 protein. It affects a nucleotide within the consensus splice site of the intron. This variant is not present in population databases (ExAC no frequency). This variant has not been reported in the literature in individuals with LAMC3-related conditions. Nucleotide substitutions within the consensus splice site are a relatively common cause of aberrant splicing (PMID: 17576681, 9536098). Algorithms developed to predict the effect of sequence changes on RNA splicing suggest that this variant is not likely to affect RNA splicing, but this prediction has not been confirmed by published transcriptional studies. In summary, the available evidence is currently insufficient to determine the role of this variant in disease. Therefore, it has been classified as a Variant of Uncertain Significance.

Literature cited by the submitters: PubMed 17576681; PubMed 9536098.

NM_006059.4(LAMC3):c.4477+6G>A

Gene: LAMC3 (laminin subunit gamma 3; plus strand). Cytogenetic location: 9q34.12.
Variant type: single nucleotide variant.
Coding change: c.4477+6G>A on transcript NM_006059.4 (MANE Select); 6 bases into the intron after coding-DNA position 4477, G replaced by A.
Molecular consequence: intron variant.
Genome position (GRCh38, 1-based): chr9:131,087,823, G>A. VCF-style: chr9-131087823-G-A. GRCh37 (hg19) VCF-style: chr9-133963210-G-A.
Identifiers: ClinVar variation 1419932 (VCV001419932.1), dbSNP rs2133353143, ClinGen allele CA2573144107.